The following is an entry in ClinVar:

ClinVar aggregate classification (germline): Uncertain significance (1 of 4 stars; one submission).

Conditions:
Sialuria. Also called: SIALURIA, FRENCH TYPE; Sialic Acid Storage Disease. Identifiers: Orphanet 3166, MedGen C0342853, MONDO:0010028, OMIM 269921.
GNE myopathy (NM). Also called: INCLUSION BODY MYOPATHY 2, AUTOSOMAL RECESSIVE; MYOPATHY, DISTAL, WITH OR WITHOUT RIMMED VACUOLES; IBM 2; Inclusion body myopathy autosomal recessive; Inclusion body myopathy quadriceps sparing; NONAKA DISTAL MYOPATHY. Identifiers: Orphanet 602, MedGen C1853926, MONDO:0011603, OMIM 605820.

Submission:

Labcorp Genetics (formerly Invitae), Labcorp
Classification: Uncertain significance for Sialuria; GNE myopathy. Last evaluated: 2021-03-07. Review status: criteria provided, single submitter. Criteria: Invitae Variant Classification Sherloc (09022015). Collection method: clinical testing. Allele origin: germline.
Comment: This variant has not been reported in the literature in individuals with GNE-related conditions. This sequence change replaces aspartic acid with histidine at codon 95 of the GNE protein (p.Asp95His). The aspartic acid residue is highly conserved and there is a moderate physicochemical difference between aspartic acid and histidine. This variant is not present in population databases (ExAC no frequency). Algorithms developed to predict the effect of missense changes on protein structure and function (SIFT, PolyPhen-2, Align-GVGD) all suggest that this variant is likely to be disruptive, but these predictions have not been confirmed by published functional studies and their clinical significance is uncertain. In summary, the available evidence is currently insufficient to determine the role of this variant in disease. Therefore, it has been classified as a Variant of Uncertain Significance.

NM_005476.7(GNE):c.190G>C (p.Asp64His)

Gene: GNE (glucosamine (UDP-N-acetyl)-2-epimerase/N-acetylmannosamine kinase; minus strand). Cytogenetic location: 9p13.3.
Variant type: single nucleotide variant.
Coding change: c.190G>C on transcript NM_005476.7 (MANE Select); coding-DNA position 190, G replaced by C.
Protein change: p.Asp64His; replaces aspartic acid 64 with histidine.
Molecular consequence: missense variant.
Genome position (GRCh38, 1-based): chr9:36,246,457, C>G on the plus strand (G>C on the coding strand, the complement: GNE is on the minus strand). VCF-style: chr9-36246457-C-G. GRCh37 (hg19) VCF-style: chr9-36246454-C-G.
Other names: c.283G>C, p.Asp95His (NM_001128227.3); c.190G>C, p.Asp64His (NM_001190383.3, NM_001374797.1); c.13G>C, p.Asp5His (NM_001190384.3, NM_001190388.2, NM_001374798.1); short protein forms D95H, D5H, D64H.
Identifiers: ClinVar variation 1377177 (VCV001377177.8), dbSNP rs2133114110, ClinGen allele CA373419958.
Genomic context (GRCh38, chr9:36,246,457, plus strand): 5'-TGGCTGCCTCATCTTCTCCCCTCACAATTGTGTGTAGCCTGGTGTTAATGTCAAAGTCAT[C>G]TTGTTCAATCATTCGATATGTATTTCTAAAGCCGGGGAGAAATAAAGATATAAGAACATG-3'
Protein context (NP_005467.1, residues 54-74): YGNTYRMIEQ[Asp64His]DFDINTRLHT